The following is an entry in ClinVar:

NM_025099.6(CTC1):c.1753C>T (p.Gln585Ter)

Gene: CTC1 (CST telomere replication complex component 1; minus strand). Cytogenetic location: 17p13.1.
Variant type: single nucleotide variant.
Coding change: c.1753C>T on transcript NM_025099.6 (MANE Select); coding-DNA position 1753, C replaced by T.
Protein change: p.Gln585Ter; replaces glutamine 585 with a stop codon.
Molecular consequence: nonsense. On other transcripts: non-coding transcript variant (1).
Genome position (GRCh38, 1-based): chr17:8,234,520, G>A on the plus strand (C>T on the coding strand, the complement: CTC1 is on the minus strand). VCF-style: chr17-8234520-G-A. GRCh37 (hg19) VCF-style: chr17-8137838-G-A.
Other names: short protein forms Q585*.
Identifiers: ClinVar variation 1073096 (VCV001073096.36), dbSNP rs952398755, ClinGen allele CA287535604.

ClinVar aggregate classification (germline): Pathogenic/Likely pathogenic. Review status: criteria provided, multiple submitters, no conflicts (2 of 4 stars). 5 submissions from 5 submitters: Pathogenic (3); Likely pathogenic (2). Last evaluated 2024-10-21.

Conditions:
CTC1-related disorder. Also called: CTC1-related condition.
Dyskeratosis congenita. Identifiers: Orphanet 1775, MedGen C0265965, MONDO:0015780.
Cerebroretinal microangiopathy with calcifications and cysts 1 (CRMCC1). Identifiers: Orphanet 313838, MedGen C4552029, MONDO:0024564, OMIM 612199.

Allele frequency attached by ClinVar (database versions not stated): gnomAD exomes 0.00001 and 0.00002; TOPMed 0.00001.
gnomAD v4.1: 13 of 1,558,844 alleles (0.00083%); highest among the groups gnomAD compares: Non-Finnish European, 0.0011%; no homozygotes.

Submissions (5):

Blueprint Genetics
Classification: Likely pathogenic for CTC1-related disorders. Last evaluated: 2024-10-21. Review status: criteria provided, single submitter. Criteria: ACMG Guidelines, 2015. Collection method: clinical testing. Allele origin: germline. Affected: yes. Observed: 5 variant alleles.

Fulgent Genetics
Classification: Likely pathogenic for Cerebroretinal microangiopathy with calcifications and cysts 1. Last evaluated: 2024-02-16. Review status: criteria provided, single submitter. Criteria: ACMG Guidelines, 2015. Collection method: clinical testing. Allele origin: germline.

CeGaT Center for Human Genetics Tuebingen
Classification: Pathogenic. Last evaluated: 2022-08-01. Review status: criteria provided, single submitter. Criteria: CeGaT Center For Human Genetics Tuebingen Variant Classification Criteria Version 2. Collection method: clinical testing. Allele origin: germline. Affected: yes. Observed: 1 variant allele.
Comment: CTC1: PVS1, PM2

Labcorp Genetics (formerly Invitae), Labcorp
Classification: Pathogenic for Dyskeratosis congenita. Last evaluated: 2020-12-22. Review status: criteria provided, single submitter. Criteria: Invitae Variant Classification Sherloc (09022015). Collection method: clinical testing. Allele origin: germline.
Comment: This variant has not been reported in the literature in individuals with CTC1-related conditions. Loss-of-function variants in CTC1 are known to be pathogenic (PMID: 22267198, 22387016). For these reasons, this variant has been classified as Pathogenic. This sequence change creates a premature translational stop signal (p.Gln585*) in the CTC1 gene. It is expected to result in an absent or disrupted protein product. This variant is not present in population databases (ExAC no frequency).

Revvity Omics, Revvity
Classification: Pathogenic for Cerebroretinal microangiopathy with calcifications and cysts 1. Last evaluated: 2020-05-29. Review status: criteria provided, single submitter. Criteria: ACMG Guidelines, 2015. Collection method: clinical testing. Allele origin: germline.

Literature cited by the submitters: PubMed 22267198 (cited by Labcorp Genetics (formerly Invitae), Labcorp); PubMed 22387016 (cited by Labcorp Genetics (formerly Invitae), Labcorp).